The following is an entry in ClinVar:

ClinVar aggregate classification (germline): Uncertain significance (1 of 4 stars; one submission).

Allele frequency attached by ClinVar (database versions not stated): gnomAD exomes 0.00001; ExAC 0.00002; gnomAD 0.00005; TOPMed 0.00008; ESP Exome Variant Server 0.00015; 1000 Genomes Project 0.00020; 1000 Genomes Project 30x 0.00031.
gnomAD v4.1: 18 of 1,614,174 alleles (0.0011%); highest among the groups gnomAD compares: African/African-American, 0.023%; no homozygotes.

Submission:

Labcorp Genetics (formerly Invitae), Labcorp
Classification: Uncertain significance. Last evaluated: 2022-02-27. Review status: criteria provided, single submitter. Criteria: Invitae Variant Classification Sherloc (09022015). Collection method: clinical testing. Allele origin: germline.
Comment: This variant is present in population databases (rs149411732, gnomAD 0.03%). This sequence change replaces aspartic acid, which is acidic and polar, with asparagine, which is neutral and polar, at codon 185 of the LIPT1 protein (p.Asp185Asn). This variant has not been reported in the literature in individuals affected with LIPT1-related conditions. Algorithms developed to predict the effect of missense changes on protein structure and function output the following: SIFT: "Tolerated"; PolyPhen-2: "Benign"; Align-GVGD: "Class C0". The asparagine amino acid residue is found in multiple mammalian species, which suggests that this missense change does not adversely affect protein function. In summary, the available evidence is currently insufficient to determine the role of this variant in disease. Therefore, it has been classified as a Variant of Uncertain Significance.

NM_145199.3(LIPT1):c.553G>A (p.Asp185Asn)

Genes: LIPT1 (lipoyltransferase 1; plus strand), MITD1 (microtubule interacting and trafficking domain containing 1; minus strand). Cytogenetic location: 2q11.2.
Variant type: single nucleotide variant.
Coding change: c.553G>A on transcript NM_145199.3 (MANE Select); coding-DNA position 553, G replaced by A.
Protein change: p.Asp185Asn; replaces aspartic acid 185 with asparagine.
Molecular consequence: missense variant. On other transcripts: non-coding transcript variant (2).
Genome position (GRCh38, 1-based): chr2:99,162,510, G>A. VCF-style: chr2-99162510-G-A. GRCh37 (hg19) VCF-style: chr2-99778973-G-A.
Other names: c.553G>A, p.Asp185Asn (NM_001204830.2, NM_015929.4, NM_145197.3 and 1 more transcripts); short protein forms D185N.
Identifiers: ClinVar variation 1928507 (VCV001928507.5), dbSNP rs149411732, ClinGen allele CA1797338.